The following is an entry in ClinVar:

ClinVar aggregate classification (germline): Uncertain significance (1 of 4 stars; one submission).

gnomAD v4.1: 1 of 1,610,260 alleles (0.000062%); highest among the groups gnomAD compares: Non-Finnish European, 0.000085%; no homozygotes.

Submission:

Labcorp Genetics (formerly Invitae), Labcorp
Classification: Uncertain significance. Last evaluated: 2024-09-06. Review status: criteria provided, single submitter. Criteria: Invitae Variant Classification Sherloc (09022015). Collection method: clinical testing. Allele origin: germline.
Comment: This sequence change replaces histidine, which is basic and polar, with tyrosine, which is neutral and polar, at codon 451 of the SI protein (p.His451Tyr). This variant is not present in population databases (gnomAD no frequency). This variant has not been reported in the literature in individuals affected with SI-related conditions. Invitae Evidence Modeling of protein sequence and biophysical properties (such as structural, functional, and spatial information, amino acid conservation, physicochemical variation, residue mobility, and thermodynamic stability) has been performed for this missense variant. However, the output from this modeling did not meet the statistical confidence thresholds required to predict the impact of this variant on SI protein function. In summary, the available evidence is currently insufficient to determine the role of this variant in disease. Therefore, it has been classified as a Variant of Uncertain Significance.

NM_001041.4(SI):c.1351C>T (p.His451Tyr)

Gene: SI (sucrase-isomaltase; minus strand). Cytogenetic location: 3q26.1.
Variant type: single nucleotide variant.
Coding change: c.1351C>T on transcript NM_001041.4 (MANE Select); coding-DNA position 1351, C replaced by T.
Protein change: p.His451Tyr; replaces histidine 451 with tyrosine.
Molecular consequence: missense variant.
Genome position (GRCh38, 1-based): chr3:165,059,010, G>A on the plus strand (C>T on the coding strand, the complement: SI is on the minus strand). VCF-style: chr3-165059010-G-A. GRCh37 (hg19) VCF-style: chr3-164776798-G-A.
Other names: short protein forms H451Y.
Identifiers: ClinVar variation 3679262 (VCV003679262.2).